The following is an entry in ClinVar:

NM_199334.5(THRA):c.472C>T (p.Pro158Ser)

Gene: THRA (thyroid hormone receptor alpha; plus strand). Cytogenetic location: 17q21.1.
Variant type: single nucleotide variant.
Coding change: c.472C>T on transcript NM_199334.5 (MANE Select); coding-DNA position 472, C replaced by T.
Protein change: p.Pro158Ser; replaces proline 158 with serine.
Molecular consequence: missense variant.
Genome position (GRCh38, 1-based): chr17:40,084,711, C>T. VCF-style: chr17-40084711-C-T. GRCh37 (hg19) VCF-style: chr17-38240964-C-T.
Other names: c.472C>T, p.Pro158Ser (NM_001190918.2, NM_001190919.2, NM_003250.6); short protein forms P158S.
Identifiers: ClinVar variation 5005747 (VCV005005747.2).

ClinVar aggregate classification (germline): Uncertain significance (1 of 4 stars; one submission).

Conditions:
Congenital nongoitrous hypothyroidism 6. Also called: Congenital nongoitrous hypothryoidism 6. Identifiers: Orphanet 97927, MedGen C3280817, MONDO:0013757, OMIM 614450.

gnomAD v4.1: 1 of 1,614,074 alleles (0.000062%); highest among the groups gnomAD compares: Non-Finnish European, 0.000085%; no homozygotes.

Submission:

Juno Genomics, Hangzhou Juno Genomics, Inc
Classification: Uncertain significance for Congenital nongoitrous hypothyroidism 6. Review status: criteria provided, single submitter. Criteria: ACMG Guidelines, 2015. Collection method: clinical testing. Allele origin: germline.
Comment: Absent from controls (or at extremely low frequency if recessive) in Genome Aggregation Database.;Missense variant in a gene that has a low rate of benign missense variation.